The following is an entry in ClinVar:

NM_001352754.2(ARMC9):c.835C>T (p.Arg279Trp)

Gene: ARMC9 (armadillo repeat containing 9; plus strand). Cytogenetic location: 2q37.1.
Variant type: single nucleotide variant.
Coding change: c.835C>T on transcript NM_001352754.2 (MANE Select); coding-DNA position 835, C replaced by T.
Protein change: p.Arg279Trp; replaces arginine 279 with tryptophan.
Molecular consequence: missense variant. On other transcripts: non-coding transcript variant (1), intron variant (2).
Genome position (GRCh38, 1-based): chr2:231,239,997, C>T. VCF-style: chr2-231239997-C-T. GRCh37 (hg19) VCF-style: chr2-232104710-C-T.
Other names: c.835C>T, p.Arg279Trp (NM_001271466.4, NM_001291656.2, NM_001352755.2 and 3 more transcripts); c.780+4616C>T (NM_001352757.2, NM_001352758.2); short protein forms R279W.
Identifiers: ClinVar variation 1525528 (VCV001525528.3), dbSNP rs562097929, ClinGen allele CA2160063.
Genomic context (GRCh38, chr2:231,239,997, plus strand): 5'-TTGCAGATCACCCCTGAGTACCTCCAGAGCGTCTGTGTCCGCCTGTTCAGTAACCAGATG[C>T]GGCAGAGCCTGGCGCATAGTGTGGACTTCACGAGGCCTGGGACGGTGAGGCTCTGCGCTC-3'
Protein context (NP_001339683.2, residues 269-289): VCVRLFSNQM[Arg279Trp]QSLAHSVDFT

ClinVar aggregate classification (germline): Uncertain significance (1 of 4 stars; one submission).

Allele frequency attached by ClinVar (database versions not stated): gnomAD 0.00001 and 0.00002; gnomAD exomes 0.00002 and 0.00004; ExAC 0.00003; TOPMed 0.00003; 1000 Genomes Project 30x 0.00016; 1000 Genomes Project 0.00020.
gnomAD v4.1: 28 of 1,613,862 alleles (0.0017%); highest among the groups gnomAD compares: Admixed American, 0.012%; no homozygotes.

Submission:

Labcorp Genetics (formerly Invitae), Labcorp
Classification: Uncertain significance. Last evaluated: 2020-12-08. Review status: criteria provided, single submitter. Criteria: Invitae Variant Classification Sherloc (09022015). Collection method: clinical testing. Allele origin: germline.
Comment: This sequence change replaces arginine with tryptophan at codon 279 of the ARMC9 protein (p.Arg279Trp). The arginine residue is moderately conserved and there is a moderate physicochemical difference between arginine and tryptophan. This variant is present in population databases (rs562097929, ExAC 0.02%). This variant has not been reported in the literature in individuals with ARMC9-related conditions. Experimental studies and prediction algorithms are not available or were not evaluated, and the functional significance of this variant is currently unknown. In summary, the available evidence is currently insufficient to determine the role of this variant in disease. Therefore, it has been classified as a Variant of Uncertain Significance.